The following is an entry in ClinVar:

NM_153460.4(IL17RC):c.754A>G (p.Lys252Glu)

Gene: IL17RC (interleukin 17 receptor C; plus strand). Cytogenetic location: 3p25.3.
Variant type: single nucleotide variant.
Coding change: c.754A>G on transcript NM_153460.4 (MANE Select); coding-DNA position 754, A replaced by G.
Protein change: p.Lys252Glu; replaces lysine 252 with glutamic acid.
Molecular consequence: missense variant. On other transcripts: non-coding transcript variant (1), intron variant (1).
Genome position (GRCh38, 1-based): chr3:9,924,012, A>G. VCF-style: chr3-9924012-A-G. GRCh37 (hg19) VCF-style: chr3-9965696-A-G.
Other names: c.754A>G, p.Lys252Glu (NM_001203263.2, NM_001203264.2); c.709A>G, p.Lys237Glu (NM_001203265.2, NM_001367280.1, NM_001410711.1 and 1 more transcripts); c.634A>G, p.Lys212Glu (NM_001367279.1); c.967A>G, p.Lys323Glu (NM_153461.4); c.723+31A>G (NM_001367278.1); c.967A>G (NM_153461.3); short protein forms K237E, K252E, K212E, K323E.
Identifiers: ClinVar variation 2152840 (VCV002152840.5), dbSNP rs552836622, ClinGen allele CA2246946.
Genomic context (GRCh38, chr3:9,924,012, plus strand): 5'-CACTTCGGCCTCTCCCTGTACTGGAATCAGGTCCAGGGCCCCCCAAAACCCCGGTGGCAC[A>G]AAAACCTGGTGAGGCCTCCCCCTTCCCAAGTCCATTCCCACTGTAGGCCGATGCCTGTGC-3'
Protein context (NP_703190.2, residues 242-262): VQGPPKPRWH[Lys252Glu]NLTGPQIITL

ClinVar aggregate classification (germline): Uncertain significance. Review status: criteria provided, multiple submitters, no conflicts (2 of 4 stars). 2 submissions from 2 submitters: Uncertain significance (2). Last evaluated 2025-11-27.

Conditions:
Candidiasis, familial, 9 (CANDF9). Identifiers: Orphanet 1334, MedGen C4225324, MONDO:0014642, OMIM 616445.

Allele frequency attached by ClinVar (database versions not stated): TOPMed below 0.00001; gnomAD 0.00001; gnomAD exomes 0.00001; ExAC 0.00005; 1000 Genomes Project 0.00020; 1000 Genomes Project 30x 0.00031.
gnomAD v4.1: 15 of 1,613,732 alleles (0.00093%); highest among the groups gnomAD compares: East Asian, 0.033%; no homozygotes.

Submissions (2):

Labcorp Genetics (formerly Invitae), Labcorp
Classification: Uncertain significance for Candidiasis, familial, 9. Last evaluated: 2025-11-27. Review status: criteria provided, single submitter. Criteria: Invitae Variant Classification Sherloc (09022015). Collection method: clinical testing. Allele origin: germline.
Comment: This sequence change replaces lysine, which is basic and polar, with glutamic acid, which is acidic and polar, at codon 323 of the IL17RC protein (p.Lys323Glu). This variant is present in population databases (rs552836622, gnomAD 0.07%), and has an allele count higher than expected for a pathogenic variant. This variant has not been reported in the literature in individuals affected with IL17RC-related conditions. ClinVar contains an entry for this variant (Variation ID: 2152840). An algorithm developed to predict the effect of missense changes on protein structure and function outputs the following: PolyPhen-2: "Benign". The glutamic acid amino acid residue is found in multiple mammalian species, which suggests that this missense change does not adversely affect protein function. In summary, the available evidence is currently insufficient to determine the role of this variant in disease. Therefore, it has been classified as a Variant of Uncertain Significance.

Ambry Genetics
Classification: Uncertain significance. Last evaluated: 2024-03-19. Review status: criteria provided, single submitter. Criteria: Ambry Variant Classification Scheme 2023. Collection method: clinical testing. Allele origin: germline.